The following is an entry in ClinVar:

NM_001365902.3(NFIX):c.1232G>T (p.Gly411Val)

Gene: NFIX (nuclear factor I X; plus strand). Cytogenetic location: 19p13.13.
Variant type: single nucleotide variant.
Coding change: c.1232G>T on transcript NM_001365902.3 (MANE Select); coding-DNA position 1232, G replaced by T.
Protein change: p.Gly411Val; replaces glycine 411 with valine.
Molecular consequence: missense variant.
Genome position (GRCh38, 1-based): chr19:13,081,833, G>T. VCF-style: chr19-13081833-G-T. GRCh37 (hg19) VCF-style: chr19-13192647-G-T.
Other names: c.1256G>T, p.Gly419Val (NM_001271043.2); c.1208G>T, p.Gly403Val (NM_001271044.3, NM_001378404.1); c.1109G>T, p.Gly370Val (NM_001365982.2); c.1091G>T, p.Gly364Val (NM_001365983.2); c.1229G>T, p.Gly410Val (NM_001365984.2, NM_001365985.2); c.1280G>T, p.Gly427Val (NM_001378405.1); c.1085G>T, p.Gly362Val (NM_001440616.1, NM_001440617.1); c.1232G>T, p.Gly411Val (NM_002501.4); short protein forms G411V, G419V, G362V, G364V, G370V, G403V, G427V, G410V.
Identifiers: ClinVar variation 4991308 (VCV004991308.1).

ClinVar aggregate classification (germline): Uncertain significance (1 of 4 stars; one submission).

Conditions:
NFIX-related disorder. Also called: NFIX-related condition.

Submission:

PreventionGenetics, part of Exact Sciences
Classification: Uncertain significance for NFIX-related condition. Last evaluated: 2026-03-24. Review status: criteria provided, single submitter. Criteria: ACMG Guidelines, 2015. Collection method: clinical testing. Allele origin: germline.
Comment: The NFIX c.1232G>T variant is predicted to result in the amino acid substitution p.Gly411Val. To our knowledge, this variant has not been reported in the literature or in a large population database (gnomAD), indicating this variant is rare. Although we suspect that this variant may be pathogenic, at this time, the clinical significance of this variant is uncertain due to the absence of conclusive functional and genetic evidence.